The following is an entry in ClinVar:

ClinVar aggregate classification (germline): Uncertain significance (1 of 4 stars; one submission).

Conditions:
Charcot-Marie-Tooth disease type 4. Also called: Charcot-Marie-Tooth disease, type IV; Charcot-Marie-Tooth, Type 4. Identifiers: Orphanet 64749, MedGen C4082197, MONDO:0018995.

Allele frequency attached by ClinVar (database versions not stated): gnomAD exomes below 0.00001.
gnomAD v4.1: 2 of 1,614,170 alleles (0.00012%); highest among the groups gnomAD compares: Non-Finnish European, 0.00017%; no homozygotes.

Submission:

Labcorp Genetics (formerly Invitae), Labcorp
Classification: Uncertain significance for Charcot-Marie-Tooth disease type 4. Last evaluated: 2023-08-30. Review status: criteria provided, single submitter. Criteria: Invitae Variant Classification Sherloc (09022015). Collection method: clinical testing. Allele origin: germline.
Comment: In summary, the available evidence is currently insufficient to determine the role of this variant in disease. Therefore, it has been classified as a Variant of Uncertain Significance. Advanced modeling of protein sequence and biophysical properties (such as structural, functional, and spatial information, amino acid conservation, physicochemical variation, residue mobility, and thermodynamic stability) performed at Invitae indicates that this missense variant is not expected to disrupt SBF2 protein function. ClinVar contains an entry for this variant (Variation ID: 1952964). This variant has not been reported in the literature in individuals affected with SBF2-related conditions. This variant is not present in population databases (gnomAD no frequency). This sequence change replaces aspartic acid, which is acidic and polar, with glutamic acid, which is acidic and polar, at codon 1595 of the SBF2 protein (p.Asp1595Glu).

NM_030962.4(SBF2):c.4785C>G (p.Asp1595Glu)

Genes: SBF2 (SET binding factor 2; minus strand), SBF2-AS1 (SBF2 antisense RNA 1; plus strand), LOC105369149 (uncharacterized LOC105369149; plus strand). Cytogenetic location: 11p15.4.
Variant type: single nucleotide variant.
Coding change: c.4785C>G on transcript NM_030962.4 (MANE Select); coding-DNA position 4785, C replaced by G.
Protein change: p.Asp1595Glu; replaces aspartic acid 1595 with glutamic acid.
Molecular consequence: missense variant.
Genome position (GRCh38, 1-based): chr11:9,789,256, G>C on the plus strand (C>G on the coding strand, the complement: SBF2 is on the minus strand). VCF-style: chr11-9789256-G-C. GRCh37 (hg19) VCF-style: chr11-9810803-G-C.
Other names: c.4881C>G, p.Asp1627Glu (NM_001386339.1); c.4656C>G, p.Asp1552Glu (NM_001386342.1); short protein forms D1552E, D1595E, D1627E.
Identifiers: ClinVar variation 1952964 (VCV001952964.3), dbSNP rs1852582580, ClinGen allele CA379634205.
Genomic context (GRCh38, chr11:9,789,256, plus strand): 5'-AGCTTCTCCAGCCAGGTCAGAGTCTTCGGAGGGGAAGTGCTTGGGGGTTAGCATCATCCA[G>C]TCATAGGAAGGGCCTGTGGACAGGGTCTCTTCTATGTAGTAATCCCACTTCTTGAGGCTA-3'
Protein context (NP_112224.1, residues 1585-1605): EETLSTGPSY[Asp1595Glu]WMMLTPKHFP